The following is an entry in ClinVar:

ClinVar aggregate classification (germline): Uncertain significance (1 of 4 stars; one submission).

Allele frequency attached by ClinVar (database versions not stated): gnomAD exomes below 0.00001.
gnomAD v4.1: 1 of 1,614,252 alleles (0.000062%); highest among the groups gnomAD compares: East Asian, 0.0022%; no homozygotes.

Submission:

GeneDx
Classification: Uncertain significance. Last evaluated: 2018-11-08. Review status: criteria provided, single submitter. Criteria: GeneDx Variant Classification (06012015). Collection method: clinical testing. Allele origin: germline. Affected: yes.
Comment: The R39H variant in the C10orf2 gene has not been reported previously as a pathogenic variant, nor as a benign variant, to our knowledge. The R39H variant was not observed in approximately 6500 individuals of European and African American ancestry in the NHLBI Exome Sequencing Project, indicating it is not a common benign variant in these populations. The R39H variant is a conservative amino acid substitution, which is not likely to impact secondary protein structure as these residues share similar properties. This substitution occurs at a position that is not conserved. In silico analysis predicts this variant likely does not alter the protein structure/function. Therefore, we interpret R39H as a variant of uncertain significance.

NM_021830.5(TWNK):c.116G>A (p.Arg39His)

Gene: TWNK (twinkle mtDNA helicase; plus strand). Cytogenetic location: 10q24.31.
Variant type: single nucleotide variant.
Coding change: c.116G>A on transcript NM_021830.5 (MANE Select); coding-DNA position 116, G replaced by A.
Protein change: p.Arg39His; replaces arginine 39 with histidine.
Molecular consequence: missense variant. On other transcripts: non-coding transcript variant (4), intron variant (3).
Genome position (GRCh38, 1-based): chr10:100,988,326, G>A. VCF-style: chr10-100988326-G-A. GRCh37 (hg19) VCF-style: chr10-102748083-G-A.
Other names: c.116G>A, p.Arg39His (NM_001163812.2); c.-120+713G>A (NM_001163814.2, NM_001163813.2); c.-58+713G>A (NM_001368275.1); short protein forms R39H.
Identifiers: ClinVar variation 388307 (VCV000388307.2), dbSNP rs1057523065, ClinGen allele CA16605592.